The following is an entry in ClinVar:

NM_001105558.1(WEE2):c.224_227del (p.Glu75fs)

Genes: WEE2 (WEE2 oocyte meiosis inhibiting kinase; plus strand), WEE2-AS1 (WEE2 antisense RNA 1; minus strand). Cytogenetic location: 7q34.
Variant type: Microsatellite.
Coding change: c.224_227del on transcript NM_001105558.1 (MANE Select); coding-DNA positions 224 to 227, 4 bases deleted (AAAG; older notation c.224_227delAAAG).
Protein change: p.Glu75fs; shifts the reading frame from glutamic acid 75.
Molecular consequence: frameshift variant.
Genome position (GRCh38, 1-based): chr7:141,708,982-141,708,985, AAAG deleted; deleting any 4 consecutive bases within chr7:141,708,978-141,708,985 gives the same sequence; the c. name uses the placement nearest the transcript's 3' end. VCF-style (leftmost placement, unchanged base first): chr7-141708977-CAAAG-C. GRCh37 (hg19) VCF-style: chr7-141408777-CAAAG-C.
Other names: c.224_227delAAAG (NM_001105558.1); c.220_223delAAAG (NM_001105558.1); short protein forms E75fs.
Identifiers: ClinVar variation 545471 (VCV000545471.12), dbSNP rs768323979, ClinGen allele CA4518161.

ClinVar aggregate classification (germline): Pathogenic/Likely pathogenic. Review status: criteria provided, multiple submitters, no conflicts (2 of 4 stars). 6 submissions from 6 submitters: Pathogenic (3); Likely pathogenic (1). 2 of the submissions do not count toward it. Last evaluated 2026-04-01.

Conditions:
Oocyte maturation defect 5. Also called: OOCYTE/ZYGOTE/EMBRYO MATURATION ARREST 5. Identifiers: MedGen C4693865, MONDO:0020837, OMIM 617996.
WEE2-related disorder. Also called: WEE2-related condition.

Submissions (6):

CeGaT Center for Human Genetics Tuebingen
Classification: Pathogenic. Last evaluated: 2026-04-01. Review status: criteria provided, single submitter. Criteria: CeGaT Center For Human Genetics Tuebingen Variant Classification Criteria Version 2. Collection method: clinical testing. Allele origin: germline. Affected: yes. Observed: 1 variant allele.
Comment: WEE2: PVS1, PM3:Strong, PM2

Dasa
Classification: Pathogenic. Last evaluated: 2025-07-23. Review status: criteria provided, single submitter. Criteria: DASA Assertion Criteria. Collection method: clinical testing. Allele origin: germline.
Comment: NM_001105558.1(WEE2):c.224_227del (p.Glu75Valfs*6) is a frameshift variant in WEE2 predicted to alter the reading frame and introduce a premature termination codon and is predicted to result in an absent or altered protein product. Loss of function is an established disease mechanism for WEE2-associated disorders. This variant has been recurrently observed in individuals with WEE2-related disorders (PMID: 30628060; PMID: 29606300). Functional evidence supports an impact on the gene or gene product (PMID: 29606300). Also, this variant is rare in population databases. Based on the currently available evidence, this variant is classified as pathogenic.

Blueprint Genetics
Classification: Pathogenic for WEE2-related disorders. Last evaluated: 2024-08-19. Review status: criteria provided, single submitter. Criteria: ACMG Guidelines, 2015. Collection method: clinical testing. Allele origin: germline. Affected: yes. Observed: 5 variant alleles.

Department of Pathology and Laboratory Medicine, Sinai Health System
Classification: Likely pathogenic for Oocyte maturation defect 5. Last evaluated: 2022-09-14. Review status: criteria provided, single submitter. Criteria: ACMG Guidelines, 2015. Collection method: research. Allele origin: germline.

PreventionGenetics, part of Exact Sciences
Classification: Pathogenic for WEE2-related condition. Last evaluated: 2024-04-12. Review status: no assertion criteria provided. Collection method: clinical testing. Allele origin: germline. Not counted in ClinVar's aggregate classification.
Comment: The WEE2 c.224_227delAAAG variant is predicted to result in a frameshift and premature protein termination (p.Glu75Valfs*6). This variant has been documented in the literature, with functional studies supporting its pathogenicity (reported as p.Glu75Valfs*6, Sang et al. 2018. PubMed ID: 29606300). This variant is reported in 0.026% of alleles in individuals of South Asian descent in gnomAD. Frameshift variants in WEE2 are expected to be pathogenic. This variant is interpreted as pathogenic.

OMIM
Classification: Pathogenic for OOCYTE/ZYGOTE/EMBRYO MATURATION ARREST 5. Last evaluated: 2023-04-10. Review status: no assertion criteria provided. Collection method: literature only. Allele origin: germline. Not counted in ClinVar's aggregate classification.

Literature cited by the submitters: PubMed 29606300 (cited by Dasa and OMIM); PubMed 30628060 (cited by Dasa and OMIM).